The following is an entry in ClinVar:

NM_001134665.3(TRMT10A):c.173G>A (p.Arg58Gln)

Gene: TRMT10A (tRNA methyltransferase 10A; minus strand). Cytogenetic location: 4q23.
Variant type: single nucleotide variant.
Coding change: c.173G>A on transcript NM_001134665.3 (MANE Select); coding-DNA position 173, G replaced by A.
Protein change: p.Arg58Gln; replaces arginine 58 with glutamine.
Molecular consequence: missense variant.
Genome position (GRCh38, 1-based): chr4:99,559,166, C>T on the plus strand (G>A on the coding strand, the complement: TRMT10A is on the minus strand). VCF-style: chr4-99559166-C-T. GRCh37 (hg19) VCF-style: chr4-100480323-C-T.
Other names: c.173G>A, p.Arg58Gln (NM_001134666.3, NM_001375880.1, NM_001375881.1 and 2 more transcripts); c.173G>A (NM_152292.4); short protein forms R58Q.
Identifiers: ClinVar variation 2183556 (VCV002183556.5), dbSNP rs147514114, ClinGen allele CA3021627.

ClinVar aggregate classification (germline): Uncertain significance. Review status: criteria provided, multiple submitters, no conflicts (2 of 4 stars). 3 submissions from 3 submitters: Uncertain significance (3). Last evaluated 2023-11-07.

Conditions:
Inborn genetic diseases. Identifiers: MedGen C0950123, MeSH D030342.

Allele frequency attached by ClinVar (database versions not stated): gnomAD 0.00003; TOPMed 0.00004; ESP Exome Variant Server 0.00015.
gnomAD v4.1: 24 of 1,611,710 alleles (0.0015%); highest among the groups gnomAD compares: East Asian, 0.013%; no homozygotes.

Submissions (3):

Ambry Genetics
Classification: Uncertain significance for Inborn genetic diseases. Last evaluated: 2023-11-07. Review status: criteria provided, single submitter. Criteria: Ambry Variant Classification Scheme 2023. Collection method: clinical testing. Allele origin: germline.

Genetic Services Laboratory, University of Chicago
Classification: Uncertain significance. Last evaluated: 2023-08-22. Review status: criteria provided, single submitter. Criteria: ACMG Guidelines, 2015. Collection method: clinical testing. Allele origin: germline. Affected: no.
Comment: DNA sequence analysis of the TRMT10A gene demonstrated a sequence change, c.173G>A, in exon 2 that results in an amino acid change, p.Arg58Gln. This sequence change does not appear to have been previously described in individuals with TRMT10A-related disorders. This sequence change has been described in the gnomAD database with a frequency of 0.016% in the East Asian subpopulation (dbSNP rs147514114). The p.Arg58Gln change affects a highly conserved amino acid residue located in a domain of the TRMT10A protein that is known to be functional. In-silico pathogenicity prediction tools (SIFT, PolyPhen2, Align GVGD, REVEL) provide contradictory results for the p.Arg58Gln substitution. Due to insufficient evidences and the lack of functional studies, the clinical significance of the p.Arg58Gln change remains unknown at this time.

Labcorp Genetics (formerly Invitae), Labcorp
Classification: Uncertain significance. Last evaluated: 2022-04-28. Review status: criteria provided, single submitter. Criteria: Invitae Variant Classification Sherloc (09022015). Collection method: clinical testing. Allele origin: germline.
Comment: This sequence change replaces arginine, which is basic and polar, with glutamine, which is neutral and polar, at codon 58 of the TRMT10A protein (p.Arg58Gln). This variant is present in population databases (rs147514114, gnomAD 0.02%). This variant has not been reported in the literature in individuals affected with TRMT10A-related conditions. Algorithms developed to predict the effect of missense changes on protein structure and function are either unavailable or do not agree on the potential impact of this missense change (SIFT: "Deleterious"; PolyPhen-2: "Probably Damaging"; Align-GVGD: "Class C0"). In summary, the available evidence is currently insufficient to determine the role of this variant in disease. Therefore, it has been classified as a Variant of Uncertain Significance.